The following is an entry in ClinVar:

NM_017617.5(NOTCH1):c.2542G>A (p.Glu848Lys)

Gene: NOTCH1 (notch receptor 1; minus strand). Cytogenetic location: 9q34.3.
Variant type: single nucleotide variant.
Coding change: c.2542G>A on transcript NM_017617.5 (MANE Select); coding-DNA position 2542, G replaced by A.
Protein change: p.Glu848Lys; replaces glutamic acid 848 with lysine.
Molecular consequence: missense variant.
Genome position (GRCh38, 1-based): chr9:136,511,197, C>T on the plus strand (G>A on the coding strand, the complement: NOTCH1 is on the minus strand). VCF-style: chr9-136511197-C-T. GRCh37 (hg19) VCF-style: chr9-139405649-C-T.
Other names: p.Glu848Lys; c.2542G>A, p.Glu848Lys (LRG_1122t1); c.2542G>A (NM_017617.4); short protein forms E848K.
Identifiers: ClinVar variation 134919 (VCV000134919.57), dbSNP rs35136134, ClinGen allele CA161165.

ClinVar aggregate classification (germline): Benign/Likely benign. Review status: criteria provided, multiple submitters, no conflicts (2 of 4 stars). 19 submissions from 18 submitters: Benign (7); Likely benign (7). 5 of the submissions do not count toward it. Last evaluated 2026-09-01.

Conditions:
Connective tissue disorder. Also called: Connective tissue disease. Identifiers: MedGen C0009782, MONDO:0003900.
Adams-Oliver syndrome 5 (AOS5). Identifiers: Orphanet 974, MedGen C4014970, MONDO:0014459, OMIM 616028.
Aortic valve disease 1 (AOVD1). Identifiers: MedGen C3887892, MONDO:0024523, OMIM 109730.
Familial thoracic aortic aneurysm and aortic dissection (TAAD). Also called: Thoracic aortic aneurysms and dissections. Identifiers: Orphanet 91387, MedGen C4707243, MONDO:0019625.

Allele frequency attached by ClinVar (database versions not stated): 1000 Genomes Project 30x 0.00141; ExAC 0.00270; ESP Exome Variant Server 0.00273; gnomAD exomes 0.00277 and 0.00365; gnomAD 0.00305 and 0.00318; TOPMed 0.00351; 1000 Genomes Project 0.00140.
gnomAD v4.1: 5,825 of 1,612,852 alleles (0.36%); highest among the groups gnomAD compares: Admixed American, 0.56%; 14 homozygotes.

Submissions (19):

CeGaT Center for Human Genetics Tuebingen
Classification: Likely benign. Last evaluated: 2026-09-01. Review status: criteria provided, single submitter. Criteria: CeGaT Center For Human Genetics Tuebingen Variant Classification Criteria Version 2. Collection method: clinical testing. Allele origin: germline. Affected: yes. Observed: 14 variant alleles.
Comment: NOTCH1: BS2

Labcorp Genetics (formerly Invitae), Labcorp
Classification: Benign for Adams-Oliver syndrome 5. Last evaluated: 2026-02-04. Review status: criteria provided, single submitter. Criteria: Invitae Variant Classification Sherloc (09022015). Collection method: clinical testing. Allele origin: germline.

ARUP Laboratories, Molecular Genetics and Genomics, ARUP Laboratories
Classification: Likely benign. Last evaluated: 2025-07-02. Review status: criteria provided, single submitter. Criteria: ARUP Molecular Germline Variant Investigation Process 2024. Collection method: clinical testing. Allele origin: germline.

Blueprint Genetics
Classification: Likely benign. Last evaluated: 2024-11-21. Review status: criteria provided, single submitter. Criteria: ACMG Guidelines, 2015. Collection method: clinical testing. Allele origin: germline.

Mayo Clinic Laboratories, Mayo Clinic
Classification: Benign. Last evaluated: 2024-05-23. Review status: criteria provided, single submitter. Criteria: ACMG Guidelines, 2015. Collection method: clinical testing. Allele origin: germline. Observed: 19 variant alleles.
Comment: BS1, BS2

Women's Health and Genetics/Laboratory Corporation of America, LabCorp
Classification: Likely benign. Last evaluated: 2023-07-21. Review status: criteria provided, single submitter. Criteria: LabCorp Variant Classification Summary - May 2015. Collection method: clinical testing. Allele origin: germline.

Genome-Nilou Lab
Classification: Benign for Adams-Oliver syndrome 5. Last evaluated: 2022-03-15. Review status: criteria provided, single submitter. Criteria: ACMG Guidelines, 2015. Collection method: clinical testing. Allele origin: germline. Affected: no.

Genome-Nilou Lab
Classification: Benign for Aortic valve disease 1. Last evaluated: 2022-03-15. Review status: criteria provided, single submitter. Criteria: ACMG Guidelines, 2015. Collection method: clinical testing. Allele origin: germline. Affected: no.

CHEO Genetics Diagnostic Laboratory, Children's Hospital of Eastern Ontario
Classification: Benign for Familial thoracic aortic aneurysm and aortic dissection. Last evaluated: 2017-12-07. Review status: criteria provided, single submitter. Criteria: ACMG Guidelines, 2015. Collection method: clinical testing. Allele origin: germline.

Ambry Genetics
Classification: Benign for Familial thoracic aortic aneurysm and aortic dissection. Last evaluated: 2017-06-01. Review status: criteria provided, single submitter. Criteria: Ambry Variant Classification Scheme 2023. Collection method: clinical testing. Allele origin: germline.

Eurofins Ntd Llc (ga)
Classification: Likely benign. Last evaluated: 2017-04-14. Review status: criteria provided, single submitter. Criteria: EGL Classification Definitions 2015. Collection method: clinical testing. Allele origin: germline. Observed: 5 variant alleles, 5 heterozygotes.

Center for Human Genetics, Inc
Classification: Likely benign for Connective tissue disorder. Last evaluated: 2016-11-01. Review status: criteria provided, single submitter. Criteria: ACMG Guidelines, 2015. Collection method: clinical testing. Allele origin: germline. Affected: yes.

GeneDx
Classification: Benign. Last evaluated: 2016-10-10. Review status: criteria provided, single submitter. Criteria: GeneDx Variant Classification (06012015). Collection method: clinical testing. Allele origin: germline. Affected: yes.
Comment: This variant is considered likely benign or benign based on one or more of the following criteria: it is a conservative change, it occurs at a poorly conserved position in the protein, it is predicted to be benign by multiple in silico algorithms, and/or has population frequency not consistent with disease.

Center for Genomics, Ann and Robert H. Lurie Children's Hospital of Chicago
Classification: Likely benign for Adams-Oliver syndrome 5; Aortic valve disease 1. Review status: criteria provided, single submitter. Criteria: ACMG Guidelines, 2015. Collection method: clinical testing. Allele origin: germline.
Comment: NOTCH1 NM_017617.4 exon 16 p.Glu848Lys (c.2542G>A): This variant has been reported in the literature in one individual with suspected hereditary thoracic arotic disease (Overwater 2018 PMID:29907982). However, his variant is also present in 0.6% (83/13660) of Latino alleles in the Genome Aggregation Database, including 2 homozygotes in the European population and is present in ClinVar, with several labs classifying this variant as benign or likely benign (Variation ID:134919). Evolutionary conservation and computational predictive tools suggest that this variant may impact the protein. In summary, data on this variant suggests that this variant does not cause disease, but requires further evidence. Therefore this variant is classified as likely benign.

ITMI
No classification provided. Condition: AllHighlyPenetrant. Last evaluated: 2013-09-19. Review status: no classification provided. Collection method: reference population. Allele origin: germline. Not counted in ClinVar's aggregate classification.
Comment: Please see associated publication for description of ethnicities

Genome Diagnostics Laboratory, Amsterdam University Medical Center
Classification: Likely benign. Review status: no assertion criteria provided. Collection method: clinical testing. Allele origin: germline. Affected: yes. Study: VKGL Data-share Consensus. Not counted in ClinVar's aggregate classification.

Genome Diagnostics Laboratory, University Medical Center Utrecht
Classification: Likely benign. Review status: no assertion criteria provided. Collection method: clinical testing. Allele origin: germline. Affected: yes. Study: VKGL Data-share Consensus. Not counted in ClinVar's aggregate classification.

Joint Genome Diagnostic Labs from Nijmegen and Maastricht, Radboudumc and MUMC+
Classification: Benign. Review status: no assertion criteria provided. Collection method: clinical testing. Allele origin: germline. Affected: yes. Study: VKGL Data-share Consensus. Not counted in ClinVar's aggregate classification.

Laboratory of Diagnostic Genome Analysis, Leiden University Medical Center (LUMC)
Classification: Likely benign. Review status: no assertion criteria provided. Collection method: clinical testing. Allele origin: germline. Affected: yes. Study: VKGL Data-share Consensus. Not counted in ClinVar's aggregate classification.

Literature cited by the submitters: PubMed 24728327 (cited by ITMI).